The following is an entry in ClinVar:

NM_000535.7(PMS2):c.1586C>T (p.Ser529Leu)

Gene: PMS2 (PMS1 homolog 2, mismatch repair system component; minus strand). Cytogenetic location: 7p22.1.
Variant type: single nucleotide variant.
Coding change: c.1586C>T on transcript NM_000535.7 (MANE Select); coding-DNA position 1586, C replaced by T.
Protein change: p.Ser529Leu; replaces serine 529 with leucine.
Molecular consequence: missense variant. On other transcripts: non-coding transcript variant (1).
Genome position (GRCh38, 1-based): chr7:5,987,179, G>A on the plus strand (C>T on the coding strand, the complement: PMS2 is on the minus strand). VCF-style: chr7-5987179-G-A. GRCh37 (hg19) VCF-style: chr7-6026810-G-A.
Other names: c.1181C>T, p.Ser394Leu (NM_001322003.2, NM_001322004.2, NM_001322005.2 and 1 more transcripts); c.1430C>T, p.Ser477Leu (NM_001322006.2); c.1268C>T, p.Ser423Leu (NM_001322007.2, NM_001322008.2); c.1025C>T, p.Ser342Leu (NM_001322010.2); c.653C>T, p.Ser218Leu (NM_001322011.2, NM_001322012.2); c.1013C>T, p.Ser338Leu (NM_001322013.2); c.1586C>T, p.Ser529Leu (NM_001322014.2); c.1277C>T, p.Ser426Leu (NM_001322015.2); short protein forms S529L, S426L, S218L, S338L, S423L, S477L, S342L, S394L.
Identifiers: ClinVar variation 230822 (VCV000230822.23), dbSNP rs876658794, ClinGen allele CA10578672.

ClinVar aggregate classification (germline): Conflicting classifications of pathogenicity. Review status: criteria provided, conflicting classifications (1 of 4 stars). 6 submissions from 6 submitters: Uncertain significance (5); Likely benign (1). Last evaluated 2026-01-25.

Conditions:
Hereditary cancer-predisposing syndrome. Also called: Neoplastic Syndromes, Hereditary; Tumor predisposition; Hereditary Cancer Syndrome; Hereditary neoplastic syndrome. Identifiers: Orphanet 140162, MedGen C0027672, MeSH D009386, MONDO:0015356.
Lynch syndrome. Identifiers: Orphanet 144, MedGen C4552100, MONDO:0005835. Disease mechanism: loss of function.
Hereditary nonpolyposis colorectal neoplasms. Identifiers: MedGen C0009405, MeSH D003123.
Lynch syndrome 4 (LYNCH4). Also called: Colorectal cancer, hereditary nonpolyposis, type 4; Hereditary non-polyposis colorectal cancer, type 4. Identifiers: Orphanet 144, MedGen C1838333, MONDO:0013699, OMIM 614337. Disease mechanism: loss of function.

Allele frequency attached by ClinVar (database versions not stated): gnomAD 0.00001; gnomAD exomes 0.00001; TOPMed 0.00003.

Submissions (6):

Labcorp Genetics (formerly Invitae), Labcorp
Classification: Likely benign for Hereditary nonpolyposis colorectal neoplasms. Last evaluated: 2026-01-25. Review status: criteria provided, single submitter. Criteria: Invitae Variant Classification Sherloc (09022015). Collection method: clinical testing. Allele origin: germline.

Baylor Genetics
Classification: Uncertain significance for Lynch syndrome 4. Last evaluated: 2023-12-21. Review status: criteria provided, single submitter. Criteria: ACMG Guidelines, 2015. Collection method: clinical testing. Allele origin: unknown.

All of Us Research Program, National Institutes of Health
Classification: Uncertain significance for Lynch syndrome. Last evaluated: 2023-11-20. Review status: criteria provided, single submitter. Criteria: ACMG Guidelines, 2015. Collection method: clinical testing. Allele origin: germline. Inheritance: Autosomal dominant inheritance. Observed: 1 variant allele, 1 heterozygote.
Comment: This missense variant replaces serine with leucine at codon 529 of the PMS2 protein. Computational prediction suggests that this variant may not impact protein structure and function (internally defined REVEL score threshold <= 0.5, PMID: 27666373). To our knowledge, functional studies have not been reported for this variant. This variant has not been reported in individuals affected with PMS2-related disorders in the literature. This variant has been identified in 3/250986 chromosomes in the general population by the Genome Aggregation Database (gnomAD). The available evidence is insufficient to determine the role of this variant in disease conclusively. Therefore, this variant is classified as a Variant of Uncertain Significance.

This study involves interpretation of variants in research participants for the purpose of population health screening. Participant phenotype was not available at the time of variant classification. Additional details can be found in publication PMID: 35346344, PMCID: PMC8962531

Color Diagnostics, LLC DBA Color Health
Classification: Uncertain significance for Hereditary cancer-predisposing syndrome. Last evaluated: 2023-11-02. Review status: criteria provided, single submitter. Criteria: ACMG Guidelines, 2015. Collection method: clinical testing. Allele origin: germline.
Comment: This missense variant replaces serine with leucine at codon 529 of the PMS2 protein. Computational prediction suggests that this variant may not impact protein structure and function (internally defined REVEL score threshold <= 0.5, PMID: 27666373). To our knowledge, functional studies have not been reported for this variant. This variant has not been reported in individuals affected with PMS2-related disorders in the literature. This variant has been identified in 3/250986 chromosomes in the general population by the Genome Aggregation Database (gnomAD). The available evidence is insufficient to determine the role of this variant in disease conclusively. Therefore, this variant is classified as a Variant of Uncertain Significance.

Ambry Genetics
Classification: Uncertain significance for Hereditary cancer-predisposing syndrome. Last evaluated: 2023-10-20. Review status: criteria provided, single submitter. Criteria: Ambry Variant Classification Scheme 2023. Collection method: clinical testing. Allele origin: germline.
Comment: The p.S529L variant (also known as c.1586C>T), located in coding exon 11 of the PMS2 gene, results from a C to T substitution at nucleotide position 1586. The serine at codon 529 is replaced by leucine, an amino acid with dissimilar properties. This amino acid position is not well conserved in available vertebrate species. In addition, this alteration is predicted to be tolerated by in silico analysis. Since supporting evidence is limited at this time, the clinical significance of this alteration remains unclear.

GeneDx
Classification: Uncertain significance. Last evaluated: 2022-01-20. Review status: criteria provided, single submitter. Criteria: GeneDx Variant Classification Process June 2021. Collection method: clinical testing. Allele origin: germline. Affected: yes.
Comment: In silico analysis supports that this missense variant does not alter protein structure/function; Has not been previously published as germline pathogenic or benign to our knowledge; This variant is associated with the following publications: (PMID: 29596542)